The following is an entry in ClinVar:

NM_000059.4(BRCA2):c.1009A>G (p.Asn337Asp)

Gene: BRCA2 (BRCA2 DNA repair associated; plus strand). Cytogenetic location: 13q13.1.
Variant type: single nucleotide variant.
Coding change: c.1009A>G on transcript NM_000059.4 (MANE Select); coding-DNA position 1009, A replaced by G.
Protein change: p.Asn337Asp; replaces asparagine 337 with aspartic acid.
Molecular consequence: missense variant.
Genome position (GRCh38, 1-based): chr13:32,332,487, A>G. VCF-style: chr13-32332487-A-G. GRCh37 (hg19) VCF-style: chr13-32906624-A-G.
Other names: short protein forms N337D.
Identifiers: ClinVar variation 1319583 (VCV001319583.6), dbSNP rs2137466790, ClinGen allele CA387761087.

ClinVar aggregate classification (germline): Conflicting classifications of pathogenicity. Review status: criteria provided, conflicting classifications (1 of 4 stars). 2 submissions from 2 submitters: Uncertain significance (1); Likely benign (1). Last evaluated 2023-03-23.

Conditions:
Hereditary cancer-predisposing syndrome. Also called: Hereditary neoplastic syndrome; Neoplastic Syndromes, Hereditary; Tumor predisposition; Hereditary Cancer Syndrome. Identifiers: Orphanet 140162, MedGen C0027672, MeSH D009386, MONDO:0015356.

Submissions (2):

University of Washington Department of Laboratory Medicine, University of Washington
Classification: Likely benign for Hereditary cancer-predisposing syndrome. Last evaluated: 2023-03-23. Review status: criteria provided, single submitter. Criteria: Dines et al. (Genet Med. 2020). Collection method: curation. Allele origin: germline.
Comment: Missense variant in a coldspot region where missense variants are very unlikely to be pathogenic (PMID:31911673).

BRCA2 exon 10 coldspot. Reclassification based on statistical prior probability.

Institute for Clinical Genetics, University Hospital TU Dresden, University Hospital TU Dresden
Classification: Uncertain significance. Last evaluated: 2021-11-03. Review status: criteria provided, single submitter. Criteria: ACMG Guidelines, 2015. Collection method: clinical testing. Allele origin: germline.